The following is an entry in ClinVar:

NM_001572.5(IRF7):c.1113G>A (p.Met371Ile)

Gene: IRF7 (interferon regulatory factor 7; minus strand). Cytogenetic location: 11p15.5.
Variant type: single nucleotide variant.
Coding change: c.1113G>A on transcript NM_001572.5 (MANE Select); coding-DNA position 1113, G replaced by A.
Protein change: p.Met371Ile; replaces methionine 371 with isoleucine.
Molecular consequence: missense variant.
Genome position (GRCh38, 1-based): chr11:613,330, C>T on the plus strand (G>A on the coding strand, the complement: IRF7 is on the minus strand). VCF-style: chr11-613330-C-T. GRCh37 (hg19) VCF-style: chr11-613330-C-T.
Other names: c.1026G>A, p.Met342Ile (NM_004029.4); c.1152G>A, p.Met384Ile (NM_004031.4); short protein forms M384I, M342I, M371I.
Identifiers: ClinVar variation 1488116 (VCV001488116.6), dbSNP rs1213525208, ClinGen allele CA378978891.
Genomic context (GRCh38, chr11:613,330, plus strand): 5'-GGTGGAGGGGCTGGCGGAGCCTGGGGGTCCGCCCACCTCCCAGTACACCTTGCACTTGCC[C>T]ATGCGCCGGGCCCACAGCTGTGGCCCCCGAAGCTCCAGGTGCAACCCAGGGGCCACGTGC-3'
Protein context (NP_001563.2, residues 361-381): LRGPQLWARR[Met371Ile]GKCKVYWEVG

ClinVar aggregate classification (germline): Uncertain significance (1 of 4 stars; one submission).

Conditions:
Immunodeficiency 39 (IMD39). Identifiers: Orphanet 574918, MedGen C4225358, MONDO:0014597, OMIM 616345.

Submission:

Labcorp Genetics (formerly Invitae), Labcorp
Classification: Uncertain significance for Immunodeficiency 39. Last evaluated: 2022-12-06. Review status: criteria provided, single submitter. Criteria: Invitae Variant Classification Sherloc (09022015). Collection method: clinical testing. Allele origin: germline.
Comment: This sequence change replaces methionine, which is neutral and non-polar, with isoleucine, which is neutral and non-polar, at codon 384 of the IRF7 protein (p.Met384Ile). In summary, the available evidence is currently insufficient to determine the role of this variant in disease. Therefore, it has been classified as a Variant of Uncertain Significance. Advanced modeling of protein sequence and biophysical properties (such as structural, functional, and spatial information, amino acid conservation, physicochemical variation, residue mobility, and thermodynamic stability) performed at Invitae indicates that this missense variant is not expected to disrupt IRF7 protein function. ClinVar contains an entry for this variant (Variation ID: 1488116). This variant has not been reported in the literature in individuals affected with IRF7-related conditions. This variant is not present in population databases (gnomAD no frequency).